The following is an entry in ClinVar:

NM_007286.6(SYNPO):c.2182A>G (p.Met728Val)

Genes: SYNPO (synaptopodin; plus strand), LOC129995010 (ATAC-STARR-seq lymphoblastoid silent region 16515; plus strand). Cytogenetic location: 5q33.1.
Variant type: single nucleotide variant.
Coding change: c.2182A>G on transcript NM_007286.6 (MANE Select); coding-DNA position 2182, A replaced by G.
Protein change: p.Met728Val; replaces methionine 728 with valine.
Molecular consequence: missense variant.
Genome position (GRCh38, 1-based): chr5:150,656,557, A>G. VCF-style: chr5-150656557-A-G. GRCh37 (hg19) VCF-style: chr5-150036119-A-G.
Other names: short protein forms M728V.
Identifiers: ClinVar variation 1554668 (VCV001554668.10), dbSNP rs41364946, ClinGen allele CA3513584.

ClinVar aggregate classification (germline): Benign. Review status: criteria provided, multiple submitters, no conflicts (2 of 4 stars). 2 submissions from 2 submitters: Benign (2). Last evaluated 2026-06-01.

Allele frequency attached by ClinVar (database versions not stated): ExAC 0.00705; 1000 Genomes Project 0.00859; 1000 Genomes Project 30x 0.00859; ESP Exome Variant Server 0.01149; gnomAD exomes 0.01292 and 0.02242; TOPMed 0.01385; gnomAD 0.01770 and 0.01841.
gnomAD v4.1: 33,206 of 1,526,428 alleles (2.2%); highest among the groups gnomAD compares: Non-Finnish European, 2.5%; 425 homozygotes.

Submissions (2):

CeGaT Center for Human Genetics Tuebingen
Classification: Benign. Last evaluated: 2026-06-01. Review status: criteria provided, single submitter. Criteria: CeGaT Center For Human Genetics Tuebingen Variant Classification Criteria Version 2. Collection method: clinical testing. Allele origin: germline. Affected: yes. Observed: 1 variant allele.
Comment: SYNPO: BP4, BS1, BS2

Labcorp Genetics (formerly Invitae), Labcorp
Classification: Benign. Last evaluated: 2026-01-29. Review status: criteria provided, single submitter. Criteria: Invitae Variant Classification Sherloc (09022015). Collection method: clinical testing. Allele origin: germline.